The following is an entry in ClinVar:

NM_001099922.3(ALG13):c.2839C>T (p.Leu947Phe)

Gene: ALG13 (ALG13 UDP-N-acetylglucosaminyltransferase subunit; plus strand). Cytogenetic location: Xq23.
Variant type: single nucleotide variant.
Coding change: c.2839C>T on transcript NM_001099922.3 (MANE Select); coding-DNA position 2839, C replaced by T.
Protein change: p.Leu947Phe; replaces leucine 947 with phenylalanine.
Molecular consequence: missense variant. On other transcripts: intron variant (5).
Genome position (GRCh38, 1-based): chrX:111,744,811, C>T. VCF-style: chrX-111744811-C-T. GRCh37 (hg19) VCF-style: chrX-110988039-C-T.
Other names: c.2605C>T, p.Leu869Phe (NM_001257231.2); c.2383+7932C>T (NM_001257237.2, NM_001257234.2, NM_001257230.2); c.2209+7932C>T (NM_001324293.1); c.2695+7932C>T (NM_001324292.2); short protein forms L869F, L947F.
Identifiers: ClinVar variation 1031828 (VCV001031828.10), dbSNP rs758632567, ClinGen allele CA414291616.

ClinVar aggregate classification (germline): Uncertain significance. Review status: criteria provided, multiple submitters, no conflicts (2 of 4 stars). 2 submissions from 2 submitters: Uncertain significance (2). Last evaluated 2023-10-16.

Conditions:
Developmental and epileptic encephalopathy, 36 (DEE36). Also called: Congenital disorder of glycosylation, type Is; Epileptic encephalopathy, early infantile, 36; ALG13-CDG. Identifiers: Orphanet 324422, MedGen C4317295, MONDO:0010472, OMIM 300884.

Allele frequency attached by ClinVar (database versions not stated): gnomAD 0.00002.
gnomAD v4.1: 9 of 1,073,049 alleles (0.00084%); highest among the groups gnomAD compares: African/African-American, 0.002%; no homozygotes.

Submissions (2):

Labcorp Genetics (formerly Invitae), Labcorp
Classification: Uncertain significance for Developmental and epileptic encephalopathy, 36. Last evaluated: 2023-10-16. Review status: criteria provided, single submitter. Criteria: Invitae Variant Classification Sherloc (09022015). Collection method: clinical testing. Allele origin: germline.
Comment: This sequence change replaces leucine, which is neutral and non-polar, with phenylalanine, which is neutral and non-polar, at codon 947 of the ALG13 protein (p.Leu947Phe). The frequency data for this variant in the population databases is considered unreliable, as metrics indicate poor data quality at this position in the gnomAD database. This variant has not been reported in the literature in individuals affected with ALG13-related conditions. ClinVar contains an entry for this variant (Variation ID: 1031828). Algorithms developed to predict the effect of missense changes on protein structure and function output the following: SIFT: "Not Available"; PolyPhen-2: "Benign"; Align-GVGD: "Not Available". The phenylalanine amino acid residue is found in multiple mammalian species, which suggests that this missense change does not adversely affect protein function. In summary, the available evidence is currently insufficient to determine the role of this variant in disease. Therefore, it has been classified as a Variant of Uncertain Significance.

Baylor Genetics
Classification: Uncertain significance for Developmental and epileptic encephalopathy, 36. Last evaluated: 2018-05-21. Review status: criteria provided, single submitter. Criteria: ACMG Guidelines, 2015. Collection method: clinical testing. Allele origin: unknown. Affected: yes.
Comment: This variant was determined to be of uncertain significance according to ACMG Guidelines, 2015 [PMID:25741868].